The following is an entry in ClinVar:

ClinVar aggregate classification (germline): Uncertain significance (1 of 4 stars; one submission).

Conditions:
Hypercalcemia, infantile, 1 (HCINF1). Identifiers: Orphanet 300547, MedGen CN031131, MONDO:0020739, OMIM 143880.

Submission:

MVZ Medizinische Genetik Mainz
Classification: Uncertain significance for Hypercalcemia, infantile, 1. Last evaluated: 2021-07-22. Review status: criteria provided, single submitter. Criteria: UK Practice Guidelines For Variant Classification V4 01 2020. Collection method: clinical testing. Allele origin: germline. Inheritance: Autosomal recessive inheritance. Affected: yes. Observed: 1 variant allele.
Comment: ACMG Criteria: PM5, PM2_SUP, PP3 (ACMG Version 3)

NM_000782.5(CYP24A1):c.1507C>G (p.Pro503Ala)

Gene: CYP24A1 (cytochrome P450 family 24 subfamily A member 1; minus strand). Cytogenetic location: 20q13.2.
Variant type: single nucleotide variant.
Coding change: c.1507C>G on transcript NM_000782.5 (MANE Select); coding-DNA position 1507, C replaced by G.
Protein change: p.Pro503Ala; replaces proline 503 with alanine.
Molecular consequence: missense variant.
Genome position (GRCh38, 1-based): chr20:54,157,217, G>C on the plus strand (C>G on the coding strand, the complement: CYP24A1 is on the minus strand). VCF-style: chr20-54157217-G-C. GRCh37 (hg19) VCF-style: chr20-52773756-G-C.
Other names: c.1309C>G, p.Pro437Ala (NM_001128915.2, NM_001424342.1, NM_001424343.1); c.1507C>G, p.Pro503Ala (NM_001424340.1, NM_001424341.1); short protein forms P437A, P503A.
Identifiers: ClinVar variation 3066341 (VCV003066341.1), dbSNP rs2516344415, ClinGen allele CA409394159.
Genomic context (GRCh38, chr20:54,157,217, plus strand): 5'-CTAGATGCTCACCTGAGGCGTATTATCGCTGGCAAAACGCGATGGGGAGTTCCCGGCTGG[G>C]CACCAGGGTGCCTGAGTGTAGCATCTCAACAGGCTCATTGTCTGTGGCCTGGATGTCGTA-3'
Protein context (NP_000773.2, residues 493-513): VEMLHSGTLV[Pro503Ala]SRELPIAFCQ